The following is an entry in ClinVar:

ClinVar aggregate classification (germline): Likely pathogenic. Review status: criteria provided, multiple submitters, no conflicts (2 of 4 stars). 3 submissions from 3 submitters: Likely pathogenic (2). 1 of the submissions does not count toward it. Last evaluated 2021-09-21.

Conditions:
Autosomal recessive nonsyndromic hearing loss 12. Also called: DEAFNESS, AUTOSOMAL RECESSIVE 12. Identifiers: Orphanet 90636, MedGen C1832394, MONDO:0011067, OMIM 601386.
Usher syndrome type 1D (USH1D). Also called: USHER SYNDROME, TYPE ID. Identifiers: Orphanet 231169, Orphanet 886, MedGen C1832845, MONDO:0010984, OMIM 601067.
Pituitary adenoma 5, multiple types. Identifiers: MedGen C4539685, MONDO:0054601, OMIM 617540.

Allele frequency attached by ClinVar (database versions not stated): gnomAD exomes below 0.00001; gnomAD 0.00001; TOPMed 0.00002.
gnomAD v4.1: 10 of 1,612,516 alleles (0.00062%); highest among the groups gnomAD compares: Middle Eastern, 0.016%; no homozygotes.

Submissions (3):

Fulgent Genetics
Classification: Likely pathogenic for Usher syndrome type 1D; Autosomal recessive nonsyndromic hearing loss 12; Pituitary adenoma 5, multiple types. Last evaluated: 2021-09-21. Review status: criteria provided, single submitter. Criteria: ACMG Guidelines, 2015. Collection method: clinical testing. Allele origin: unknown.

Juno Genomics, Hangzhou Juno Genomics, Inc
Classification: Likely pathogenic for Pituitary adenoma 5, multiple types; Autosomal recessive nonsyndromic hearing loss 12; Usher syndrome type 1D. Review status: criteria provided, single submitter. Criteria: ACMG Guidelines, 2015. Collection method: clinical testing. Allele origin: germline.
Comment: Null variant in a gene where loss of function (LOF) is a known mechanism of disease.;Absent from controls (or at extremely low frequency if recessive) in Genome Aggregation Database.

Genetic Testing Center for Deafness, Department of Otolaryngology Head & Neck Surgery, Institute of Otolaryngology, Chinese PLA General Hospital
Classification: Pathogenic for Autosomal recessive nonsyndromic hearing loss 12. Last evaluated: 2019-02-26. Review status: no assertion criteria provided. Collection method: case-control. Allele origin: inherited. Affected: yes. Observed: 1 variant allele. Not counted in ClinVar's aggregate classification.

NM_022124.6(CDH23):c.8920G>T (p.Glu2974Ter)

Gene: CDH23 (cadherin related 23; plus strand). Cytogenetic location: 10q22.1.
Variant type: single nucleotide variant.
Coding change: c.8920G>T on transcript NM_022124.6 (MANE Select); coding-DNA position 8920, G replaced by T.
Protein change: p.Glu2974Ter; replaces glutamic acid 2974 with a stop codon.
Molecular consequence: nonsense.
Genome position (GRCh38, 1-based): chr10:71,810,017, G>T. VCF-style: chr10-71810017-G-T. GRCh37 (hg19) VCF-style: chr10-73569774-G-T.
Other names: c.2200G>T, p.Glu734Ter (NM_001171933.1, NM_001171934.1); short protein forms E2974*, E734*.
Identifiers: ClinVar variation 627437 (VCV000627437.4), dbSNP rs1344509500, ClinGen allele CA377133806.
Genomic context (GRCh38, chr10:71,810,017, plus strand): 5'-GACCAGCGCGTCAAGATCGTCATTAACGAGATCCCCGACCGTGTGCGCGGCTTCGAGGAG[G>T]AGTTCATCCACCTGCTCTCCAACATCACTGGGGCCATTGTCAATACTGACAATGTGCAGG-3'